The following is an entry in ClinVar:

NM_001458.5(FLNC):c.597C>T (p.Ala199=)

Gene: FLNC (filamin C; plus strand). Cytogenetic location: 7q32.1.
Variant type: single nucleotide variant.
Coding change: c.597C>T on transcript NM_001458.5 (MANE Select); coding-DNA position 597, C replaced by T.
Protein change: p.Ala199=; no amino-acid change (alanine 199 retained).
Molecular consequence: synonymous variant.
Genome position (GRCh38, 1-based): chr7:128,835,570, C>T. VCF-style: chr7-128835570-C-T. GRCh37 (hg19) VCF-style: chr7-128475624-C-T.
Other names: p.Ala199=; c.597C>T, p.Ala199= (NM_001127487.2).
Identifiers: ClinVar variation 195145 (VCV000195145.73), dbSNP rs143942649, ClinGen allele CA241430.

ClinVar aggregate classification (germline): Benign/Likely benign. Review status: criteria provided, multiple submitters, no conflicts (2 of 4 stars). 20 submissions from 20 submitters: Benign (9); Likely benign (5). 6 of the submissions do not count toward it. Last evaluated 2026-09-01.

Conditions:
Distal myopathy with posterior leg and anterior hand involvement. Also called: WILLIAMS DISTAL MYOPATHY. Identifiers: Orphanet 63273, MedGen C3279722, MONDO:0013550, OMIM 614065.
Hypertrophic cardiomyopathy 26. Also called: Cardiomyopathy, familial hypertrophic, 26. Identifiers: Orphanet 75249, MedGen C4310749, MONDO:0014883, OMIM 617047.
Myofibrillar myopathy 5. Also called: Filaminopathy (type); FILAMINOPATHY, AUTOSOMAL DOMINANT. Identifiers: Orphanet 171445, MedGen C1836050, MONDO:0012289, OMIM 609524.
Cardiovascular phenotype. Identifiers: MedGen CN230736.
FLNC-related disorder. Also called: FLNC-related condition; FLNC-related disorders.
Cardiomyopathy (CMYO). Also called: Cardiomyopathies. Identifiers: Orphanet 167848, MedGen C0878544, MONDO:0004994, HP:0001638. Inheritance: Various modes of inheritance.

Allele frequency attached by ClinVar (database versions not stated): 1000 Genomes Project 0.00120; gnomAD 0.00124 and 0.00125; 1000 Genomes Project 30x 0.00125; TOPMed 0.00137; ESP Exome Variant Server 0.00160; ExAC 0.00176; gnomAD exomes 0.00189 and 0.00204.
gnomAD v4.1: 3,199 of 1,613,138 alleles (0.2%); highest among the groups gnomAD compares: Middle Eastern, 1.1%; 9 homozygotes.

Submissions (20):

CeGaT Center for Human Genetics Tuebingen
Classification: Likely benign. Last evaluated: 2026-09-01. Review status: criteria provided, single submitter. Criteria: CeGaT Center For Human Genetics Tuebingen Variant Classification Criteria Version 2. Collection method: clinical testing. Allele origin: germline. Affected: yes. Observed: 44 variant alleles.
Comment: FLNC: BP4, BP7, BS1

Labcorp Genetics (formerly Invitae), Labcorp
Classification: Benign for Distal myopathy with posterior leg and anterior hand involvement; Myofibrillar myopathy 5; Hypertrophic cardiomyopathy 26. Last evaluated: 2026-02-04. Review status: criteria provided, single submitter. Criteria: Invitae Variant Classification Sherloc (09022015). Collection method: clinical testing. Allele origin: germline.

Women's Health and Genetics/Laboratory Corporation of America, LabCorp
Classification: Benign. Last evaluated: 2025-04-25. Review status: criteria provided, single submitter. Criteria: LabCorp Variant Classification Summary - May 2015. Collection method: clinical testing. Allele origin: germline.

Molecular Diagnostic Laboratory for Inherited Cardiovascular Disease, Montreal Heart Institute
Classification: Likely benign. Last evaluated: 2025-04-09. Review status: criteria provided, single submitter. Criteria: ACMG Guidelines, 2015. Collection method: clinical testing. Allele origin: germline. Affected: no.

ARUP Laboratories, Molecular Genetics and Genomics, ARUP Laboratories
Classification: Benign. Last evaluated: 2025-03-10. Review status: criteria provided, single submitter. Criteria: ARUP Molecular Germline Variant Investigation Process 2024. Collection method: clinical testing. Allele origin: germline.

Blueprint Genetics
Classification: Likely benign. Last evaluated: 2024-11-27. Review status: criteria provided, single submitter. Criteria: ACMG Guidelines, 2015. Collection method: clinical testing. Allele origin: germline.

Mayo Clinic Laboratories, Mayo Clinic
Classification: Benign. Last evaluated: 2023-10-31. Review status: criteria provided, single submitter. Criteria: ACMG Guidelines, 2015. Collection method: clinical testing. Allele origin: germline. Observed: 11 variant alleles.
Comment: BA1, BS2, BP4, BP7

CHEO Genetics Diagnostic Laboratory, Children's Hospital of Eastern Ontario
Classification: Benign for Cardiomyopathy. Last evaluated: 2022-11-17. Review status: criteria provided, single submitter. Criteria: ACMG Guidelines, 2015. Collection method: clinical testing. Allele origin: germline.

Fulgent Genetics
Classification: Likely benign for Myofibrillar myopathy 5; Distal myopathy with posterior leg and anterior hand involvement; Hypertrophic cardiomyopathy 26. Last evaluated: 2022-01-10. Review status: criteria provided, single submitter. Criteria: ACMG Guidelines, 2015. Collection method: clinical testing. Allele origin: unknown.

Athena Diagnostics
Classification: Benign. Last evaluated: 2019-12-30. Review status: criteria provided, single submitter. Criteria: Athena Diagnostics Criteria. Collection method: clinical testing. Allele origin: unknown.

Ambry Genetics
Classification: Benign for Cardiovascular phenotype. Last evaluated: 2019-03-28. Review status: criteria provided, single submitter. Criteria: Ambry Variant Classification Scheme 2023. Collection method: clinical testing. Allele origin: germline.

GeneDx
Classification: Benign. Last evaluated: 2018-03-13. Review status: criteria provided, single submitter. Criteria: GeneDx Variant Classification Process June 2021. Collection method: clinical testing. Allele origin: germline. Affected: yes.

Eurofins Ntd Llc (ga)
Classification: Benign. Last evaluated: 2017-04-12. Review status: criteria provided, single submitter. Criteria: EGL Classification Definitions 2015. Collection method: clinical testing. Allele origin: germline. Observed: 2 variant alleles, 2 heterozygotes.

Breakthrough Genomics
Classification: Likely benign. Review status: criteria provided, single submitter. Criteria: ACMG Guidelines, 2015. Collection method: not provided. Allele origin: germline. Inheritance: Autosomal dominant inheritance. Affected: yes.

PreventionGenetics, part of Exact Sciences
Classification: Benign for FLNC-related condition. Last evaluated: 2023-03-28. Review status: no assertion criteria provided. Collection method: clinical testing. Allele origin: germline. Not counted in ClinVar's aggregate classification.
Comment: This variant is classified as benign based on ACMG/AMP sequence variant interpretation guidelines (Richards et al. 2015 PMID: 25741868, with internal and published modifications).

Clinical Genetics DNA and cytogenetics Diagnostics Lab, Erasmus MC, Erasmus Medical Center
Classification: Likely benign. Review status: no assertion criteria provided. Collection method: clinical testing. Allele origin: germline. Affected: yes. Study: VKGL Data-share Consensus. Not counted in ClinVar's aggregate classification.

Clinical Genetics, Academic Medical Center
Classification: Benign. Review status: no assertion criteria provided. Collection method: clinical testing. Allele origin: germline. Affected: yes. Study: VKGL Data-share Consensus. Not counted in ClinVar's aggregate classification.

Genome Diagnostics Laboratory, University Medical Center Utrecht
Classification: Likely benign. Review status: no assertion criteria provided. Collection method: clinical testing. Allele origin: germline. Affected: yes. Study: VKGL Data-share Consensus. Not counted in ClinVar's aggregate classification.

Joint Genome Diagnostic Labs from Nijmegen and Maastricht, Radboudumc and MUMC+
Classification: Likely benign. Review status: no assertion criteria provided. Collection method: clinical testing. Allele origin: germline. Affected: yes. Study: VKGL Data-share Consensus. Not counted in ClinVar's aggregate classification.

Laboratory of Diagnostic Genome Analysis, Leiden University Medical Center (LUMC)
Classification: Benign. Review status: no assertion criteria provided. Collection method: clinical testing. Allele origin: germline. Affected: yes. Study: VKGL Data-share Consensus. Not counted in ClinVar's aggregate classification.